The following is an entry in ClinVar:

ClinVar aggregate classification (germline): Uncertain significance (1 of 4 stars; one submission).

gnomAD v4.1: 5 of 1,608,276 alleles (0.00031%); highest among the groups gnomAD compares: Non-Finnish European, 0.00042%; no homozygotes.

Submission:

GeneDx
Classification: Uncertain significance. Last evaluated: 2026-07-03. Review status: criteria provided, single submitter. Criteria: GeneDx Variant Classification Process June 2021. Collection method: clinical testing. Allele origin: germline.
Comment: Not observed at significant frequency in large population cohorts (gnomAD); In silico analysis supports that this missense variant has a deleterious effect on protein structure/function; Has not been previously published as pathogenic or benign to our knowledge

NM_006372.5(SYNCRIP):c.1162A>G (p.Met388Val)

Gene: SYNCRIP (synaptotagmin binding cytoplasmic RNA interacting protein; minus strand). Cytogenetic location: 6q14.3.
Variant type: single nucleotide variant.
Coding change: c.1162A>G on transcript NM_006372.5 (MANE Select); coding-DNA position 1162, A replaced by G.
Protein change: p.Met388Val; replaces methionine 388 with valine.
Molecular consequence: missense variant.
Genome position (GRCh38, 1-based): chr6:85,618,936, T>C on the plus strand (A>G on the coding strand, the complement: SYNCRIP is on the minus strand). VCF-style: chr6-85618936-T-C. GRCh37 (hg19) VCF-style: chr6-86328654-T-C.
Other names: c.868A>G, p.Met290Val (NM_001159673.2, NM_001410938.1); c.1057A>G, p.Met353Val (NM_001159674.2, NM_001159675.2); c.1162A>G, p.Met388Val (NM_001159676.2, NM_001159677.2); c.706A>G, p.Met236Val (NM_001253771.2); short protein forms M236V, M290V, M353V, M388V.
Identifiers: ClinVar variation 3369874 (VCV003369874.2).
Genomic context (GRCh38, chr6:85,618,936, plus strand): 5'-GCTTGGCAAAAACAATTTCAATATTTTCTCCCTCCAAGTCTTTGCCATTCATTTCTTCCA[T>C]AGCCTTAAAAAATTAGATAAGTCAATATAAAAATAGGACTTTCATACAATTATGATTCAT-3'
Protein context (NP_006363.4, residues 378-398): FDERDGAVKA[Met388Val]EEMNGKDLEG